The following is an entry in ClinVar:

ClinVar aggregate classification (germline): Likely benign. Review status: criteria provided, multiple submitters, no conflicts (2 of 4 stars). 2 submissions from 2 submitters: Likely benign (2). Last evaluated 2024-09-01.

Submissions (2):

CeGaT Center for Human Genetics Tuebingen
Classification: Likely benign. Last evaluated: 2024-09-01. Review status: criteria provided, single submitter. Criteria: CeGaT Center For Human Genetics Tuebingen Variant Classification Criteria Version 2. Collection method: clinical testing. Allele origin: germline. Affected: yes. Observed: 2 variant alleles.
Comment: PACS2: PM2:Supporting, BP4, BP7

Labcorp Genetics (formerly Invitae), Labcorp
Classification: Likely benign. Last evaluated: 2022-05-27. Review status: criteria provided, single submitter. Criteria: Invitae Variant Classification Sherloc (09022015). Collection method: clinical testing. Allele origin: germline.

NM_001100913.3(PACS2):c.501C>G (p.Ala167=)

Gene: PACS2 (phosphofurin acidic cluster sorting protein 2; plus strand). Cytogenetic location: 14q32.33.
Variant type: single nucleotide variant.
Coding change: c.501C>G on transcript NM_001100913.3 (MANE Select); coding-DNA position 501, C replaced by G.
Protein change: p.Ala167=; no amino-acid change (alanine 167 retained).
Molecular consequence: synonymous variant.
Genome position (GRCh38, 1-based): chr14:105,367,290, C>G. VCF-style: chr14-105367290-C-G. GRCh37 (hg19) VCF-style: chr14-105833627-C-G.
Other names: c.300C>G, p.Ala100= (NM_001243127.3); c.501C>G, p.Ala167= (NM_015197.4).
Identifiers: ClinVar variation 1661699 (VCV001661699.32), dbSNP rs782450287, ClinGen allele CA488201098.